The following is an entry in ClinVar:

ClinVar aggregate classification (germline): Likely pathogenic (1 of 4 stars; one submission).

Conditions:
SPTAN1-related disorder. Also called: SPTAN1-related condition; SPTAN1-related disorders.

Allele frequency attached by ClinVar (database versions not stated): gnomAD exomes below 0.00001.
gnomAD v4.1: 1 of 1,614,112 alleles (0.000062%); highest among the groups gnomAD compares: Non-Finnish European, 0.000085%; no homozygotes.

Submission:

PreventionGenetics, part of Exact Sciences
Classification: Likely pathogenic for SPTAN1-related condition. Last evaluated: 2023-05-06. Review status: criteria provided, single submitter. Criteria: ACMG Guidelines, 2015. Collection method: clinical testing. Allele origin: germline.
Comment: The SPTAN1 c.1727A>G variant is predicted to result in the amino acid substitution p.Gln576Arg. To our knowledge, this variant has not been reported in the literature or in a large population database, indicating this variant is rare. This variant is interpreted as likely pathogenic.

NM_001130438.3(SPTAN1):c.1727A>G (p.Gln576Arg)

Gene: SPTAN1 (spectrin alpha, non-erythrocytic 1; plus strand). Cytogenetic location: 9q34.11.
Variant type: single nucleotide variant.
Coding change: c.1727A>G on transcript NM_001130438.3 (MANE Select); coding-DNA position 1727, A replaced by G.
Protein change: p.Gln576Arg; replaces glutamine 576 with arginine.
Molecular consequence: missense variant.
Genome position (GRCh38, 1-based): chr9:128,582,770, A>G. VCF-style: chr9-128582770-A-G. GRCh37 (hg19) VCF-style: chr9-131345049-A-G.
Other names: c.1727A>G, p.Gln576Arg (NM_001195532.2, NM_001363759.2, NM_001363765.2 and 5 more transcripts); c.1763A>G, p.Gln588Arg (NM_001375312.2, NM_001375318.1); short protein forms Q576R, Q588R.
Identifiers: ClinVar variation 2632885 (VCV002632885.1), dbSNP rs2541157238, ClinGen allele CA375055048.